The following is an entry in ClinVar:

ClinVar aggregate classification (germline): Uncertain significance (1 of 4 stars; one submission).

Conditions:
Familial isolated arrhythmogenic right ventricular dysplasia. Identifiers: Orphanet 217656, MedGen C4274968, MONDO:0016342.

Submission:

All of Us Research Program, National Institutes of Health
Classification: Uncertain significance for Familial isolated arrhythmogenic right ventricular dysplasia. Last evaluated: 2023-07-19. Review status: criteria provided, single submitter. Criteria: ACMG Guidelines, 2015. Collection method: clinical testing. Allele origin: germline. Inheritance: Autosomal dominant inheritance. Observed: 1 variant allele, 1 heterozygote.
Comment: This missense variant replaces arginine with lysine at codon 684 of the DSC2 protein. Computational prediction suggests that this variant may not impact protein structure and function (internally defined REVEL score threshold <= 0.5, PMID: 27666373). To our knowledge, functional studies have not been reported for this variant. This variant has not been reported in individuals affected with DSC2-related disorders in the literature. This variant has not been identified in the general population by the Genome Aggregation Database (gnomAD). The available evidence is insufficient to determine the role of this variant in disease conclusively. Therefore, this variant is classified as a Variant of Uncertain Significance.

This study involves interpretation of variants in research participants for the purpose of population health screening. Participant phenotype was not available at the time of variant classification. Additional details can be found in publication PMID: 35346344, PMCID: PMC8962531

NM_024422.6(DSC2):c.2051G>A (p.Arg684Lys)

Gene: DSC2 (desmocollin 2; minus strand). Cytogenetic location: 18q12.1.
Variant type: single nucleotide variant.
Coding change: c.2051G>A on transcript NM_024422.6 (MANE Select); coding-DNA position 2051, G replaced by A.
Protein change: p.Arg684Lys; replaces arginine 684 with lysine.
Molecular consequence: missense variant.
Genome position (GRCh38, 1-based): chr18:31,071,679, C>T on the plus strand (G>A on the coding strand, the complement: DSC2 is on the minus strand). VCF-style: chr18-31071679-C-T. GRCh37 (hg19) VCF-style: chr18-28651645-C-T.
Other names: c.1622G>A, p.Arg541Lys (NM_001406506.1, NM_001406507.1); c.2051G>A, p.Arg684Lys (NM_004949.5); short protein forms R541K, R684K.
Identifiers: ClinVar variation 3072471 (VCV003072471.1), dbSNP rs2510940401, ClinGen allele CA402112978.